The following is an entry in ClinVar:

NM_018116.4(MSTO1):c.1259del (p.Gly420fs)

Gene: MSTO1 (misato mitochondrial distribution and morphology regulator 1; plus strand). Cytogenetic location: 1q22.
Variant type: Deletion.
Coding change: c.1259del on transcript NM_018116.4 (MANE Select); coding-DNA position 1259, one base deleted (G; older notation c.1259delG).
Protein change: p.Gly420fs; shifts the reading frame from glycine 420.
Molecular consequence: frameshift variant. On other transcripts: non-coding transcript variant (6).
Genome position (GRCh38, 1-based): chr1:155,613,209, G deleted; the last of 4 consecutive G bases (chr1:155,613,206-155,613,209); deleting any one gives the same sequence. VCF-style (leftmost placement, unchanged base first): chr1-155613205-AG-A. GRCh37 (hg19) VCF-style: chr1-155582996-AG-A.
Other names: p.Gly420Valfs*2; c.1259delG (NM_018116.3); c.716del, p.Gly239fs (NM_001350785.1, NM_001350787.1, NM_001350789.1 and 1 more transcripts); c.725del, p.Gly242fs (NM_001350786.1, NM_001350788.1, NM_001350780.1 and 3 more transcripts); c.1259del (NM_018116.3); c.1259del, p.Gly420fs (NM_001256532.1, NM_001256533.1, NM_001350772.1 and 3 more transcripts); c.1094del, p.Gly365fs (NM_001350776.1); c.728del, p.Gly243fs (NM_001350777.1, NM_001350778.1, NM_001350779.1); short protein forms G239fs, G242fs, G420fs, G243fs, G365fs.
Identifiers: ClinVar variation 504109 (VCV000504109.14), dbSNP rs1248439783, ClinGen allele CA526669706.

ClinVar aggregate classification (germline): Pathogenic. Review status: criteria provided, multiple submitters, no conflicts (2 of 4 stars). 8 submissions from 8 submitters: Pathogenic (6). 2 of the submissions do not count toward it. Last evaluated 2026-10-29.

Conditions:
Mitochondrial myopathy-cerebellar ataxia-pigmentary retinopathy syndrome. Also called: MYOPATHY, MITOCHONDRIAL, AND ATAXIA. Identifiers: Orphanet 502423, MedGen C4540096, MONDO:0044714, OMIM 617675.
MSTO1-related disorder. Also called: MSTO1‑Related Disease.

Submissions (8):

Department of Molecular Genetics, Istishari Arab Hospital
Classification: Pathogenic for Mitochondrial myopathy-cerebellar ataxia-pigmentary retinopathy syndrome. Last evaluated: 2026-10-29. Review status: criteria provided, single submitter. Criteria: ACMG Guidelines, 2015. Collection method: clinical testing. Allele origin: germline. Inheritance: Autosomal recessive inheritance. Affected: no.
Comment: The MSTO1 variant c.1259del, p.Gly420Valfs*2 creates a shift in the reading frame at position 420 in exon 11 (of 14), which results in termination of the protein 2 codons downstream. The variant is observed with very low frequency in the gnomAD v4.1.0 dataset. This variant was previously observed in individuals with autosomal recessive mitochondrial myopathy and ataxia (PMID: 31463572, 35598585, 36468072, 30684668, 36474027). This variant is classified as pathogenic based on the implementation of ACMG/AMP/ClinGen SVI guidelines.

GeneDx
Classification: Pathogenic. Last evaluated: 2026-08-26. Review status: criteria provided, single submitter. Criteria: GeneDx Variant Classification Process June 2021. Collection method: clinical testing. Allele origin: germline.
Comment: Frameshift variant predicted to result in protein truncation or nonsense mediated decay in a gene for which loss of function is a known mechanism of disease; Not observed at significant frequency in large population cohorts (gnomAD); This variant is associated with the following publications: (PMID: 31463572, 35598585, 36468072, 30684668, 36474027)

Blueprint Genetics
Classification: Pathogenic for MSTO1-related disorders. Last evaluated: 2024-09-23. Review status: criteria provided, single submitter. Criteria: ACMG Guidelines, 2015. Collection method: clinical testing. Allele origin: germline. Affected: yes. Observed: 4 variant alleles.

Revvity Omics, Revvity
Classification: Pathogenic for Mitochondrial myopathy-cerebellar ataxia-pigmentary retinopathy syndrome. Last evaluated: 2023-05-11. Review status: criteria provided, single submitter. Criteria: ACMG Guidelines, 2015. Collection method: clinical testing. Allele origin: germline.

Daryl Scott Lab, Baylor College of Medicine
Classification: Pathogenic for Mitochondrial myopathy-cerebellar ataxia-pigmentary retinopathy syndrome. Last evaluated: 2022-02-01. Review status: criteria provided, single submitter. Criteria: ACMG Guidelines, 2015. Collection method: clinical testing. Allele origin: maternal. Affected: yes. Observed: 1 variant allele, 1 compound heterozygote.

3billion
Classification: Pathogenic for Mitochondrial myopathy-cerebellar ataxia-pigmentary retinopathy syndrome. Review status: criteria provided, single submitter. Criteria: ACMG Guidelines, 2015. Collection method: clinical testing. Allele origin: unknown. Affected: yes. Observed: 1 heterozygote.
Comment: The variant is not observed in the gnomAD v2.1.1 dataset. The variant is predicted to result in a loss or disruption of normal protein function through nonsense-mediated decay (NMD) or protein truncation. Multiple pathogenic variants are reported downstream of the variant. The variant has been reported at least twice as pathogenic without evidence for the classification (ClinVar ID: VCV000504109 / PMID: 31463572). Therefore, this variant is classified as Pathogenic according to the recommendation of ACMG/AMP guideline.

OMIM
Classification: Pathogenic for MYOPATHY, MITOCHONDRIAL, AND ATAXIA, AUTOSOMAL RECESSIVE. Last evaluated: 2020-12-03. Review status: no assertion criteria provided. Collection method: literature only. Allele origin: germline. Not counted in ClinVar's aggregate classification.

Department of Pediatrics, Union Hospital, Tongji Medical College, Huazhong University of Science and Technology
Classification: Likely pathogenic for Mitochondrial myopathy-cerebellar ataxia-pigmentary retinopathy syndrome. Review status: no assertion criteria provided. Collection method: clinical testing. Allele origin: inherited. Affected: yes. Not counted in ClinVar's aggregate classification.

Literature cited by the submitters: PubMed 31463572 (cited by Department of Molecular Genetics, Istishari Arab Hospital and 3billion); PubMed 35598585 (cited by Department of Molecular Genetics, Istishari Arab Hospital); PubMed 36468072 (cited by Department of Molecular Genetics, Istishari Arab Hospital); PubMed 30684668 (cited by Department of Molecular Genetics, Istishari Arab Hospital and OMIM); PubMed 36474027 (cited by Department of Molecular Genetics, Istishari Arab Hospital and Daryl Scott Lab, Baylor College of Medicine).